The following is an entry in ClinVar:

ClinVar aggregate classification (germline): Uncertain significance. Review status: criteria provided, multiple submitters, no conflicts (2 of 4 stars). 3 submissions from 3 submitters: Uncertain significance (3). Last evaluated 2025-01-27.

Conditions:
Pulmonary fibrosis and/or bone marrow failure, Telomere-related, 3. Also called: PULMONARY FIBROSIS AND/OR BONE MARROW FAILURE SYNDROME, TELOMERE-RELATED, 3. Identifiers: Orphanet 2032, MedGen C4225346, MONDO:0014613, OMIM 616373.
Dyskeratosis congenita, autosomal recessive 5 (DKCB5). Identifiers: MedGen C3554656, MONDO:0014076, OMIM 615190.
Inborn genetic diseases. Identifiers: MedGen C0950123, MeSH D030342.
Dyskeratosis congenita. Identifiers: Orphanet 1775, MedGen C0265965, MONDO:0015780.

Allele frequency attached by ClinVar (database versions not stated): gnomAD 0.00003; gnomAD exomes 0.00004 and 0.00011; ExAC 0.00024; 1000 Genomes Project 30x 0.00031.
gnomAD v4.1: 66 of 1,601,826 alleles (0.0041%); highest among the groups gnomAD compares: South Asian, 0.073%; 1 homozygote.

Submissions (3):

Ambry Genetics
Classification: Uncertain significance for Inborn genetic diseases. Last evaluated: 2025-01-27. Review status: criteria provided, single submitter. Criteria: Ambry Variant Classification Scheme 2023. Collection method: clinical testing. Allele origin: germline.
Comment: The p.V825A variant (also known as c.2474T>C), located in coding exon 26 of the RTEL1 gene, results from a T to C substitution at nucleotide position 2474. The valine at codon 825 is replaced by alanine, an amino acid with similar properties. This amino acid position is conserved. In addition, this alteration is predicted to be tolerated by in silico analysis. Based on the available evidence, the clinical significance of this variant remains unclear.

Labcorp Genetics (formerly Invitae), Labcorp
Classification: Uncertain significance for Dyskeratosis congenita, autosomal recessive 5; Pulmonary fibrosis and/or bone marrow failure, Telomere-related, 3. Last evaluated: 2023-06-06. Review status: criteria provided, single submitter. Criteria: Invitae Variant Classification Sherloc (09022015). Collection method: clinical testing. Allele origin: germline.
Comment: In summary, the available evidence is currently insufficient to determine the role of this variant in disease. Therefore, it has been classified as a Variant of Uncertain Significance. Algorithms developed to predict the effect of missense changes on protein structure and function output the following: SIFT: "Not Available"; PolyPhen-2: "Benign"; Align-GVGD: "Not Available". The alanine amino acid residue is found in multiple mammalian species, which suggests that this missense change does not adversely affect protein function. ClinVar contains an entry for this variant (Variation ID: 1692617). This variant has not been reported in the literature in individuals affected with RTEL1-related conditions. This variant is present in population databases (rs778102066, gnomAD 0.09%). This sequence change replaces valine, which is neutral and non-polar, with alanine, which is neutral and non-polar, at codon 825 of the RTEL1 protein (p.Val825Ala).

Sema4
Classification: Uncertain significance for Dyskeratosis congenita. Last evaluated: 2021-05-18. Review status: criteria provided, single submitter. Criteria: Sema4 Curation Guidelines. Collection method: curation. Allele origin: germline.
Comment: The RTEL1 c.2474T>C (p.V825A) variant has not been reported in the literature to our knowledge. It was observed in 26/28692 chromosomes of the South Asian subpopulation, with no homozygotes, in the large and broad cohorts of the Genome Aggregation Database. The variant has not been reported in ClinVar. In silico tools suggest the impact of the variant on protein function is benign, though these predictions have not been confirmed by functional studies. The evidence is insufficient to meet ACMG/AMP criteria for classifying the variant as benign or pathogenic. Thus, the clinical significance of this variant is currently uncertain.

NM_001283009.2(RTEL1):c.2474T>C (p.Val825Ala)

Genes: RTEL1-TNFRSF6B (RTEL1-TNFRSF6B readthrough (NMD candidate); plus strand), RTEL1 (regulator of telomere elongation helicase 1; plus strand). Cytogenetic location: 20q13.33.
Variant type: single nucleotide variant.
Coding change: c.2474T>C on transcript NM_001283009.2 (MANE Select); coding-DNA position 2474, T replaced by C.
Protein change: p.Val825Ala; replaces valine 825 with alanine.
Molecular consequence: missense variant. On other transcripts: non-coding transcript variant (1).
Genome position (GRCh38, 1-based): chr20:63,690,865, T>C. VCF-style: chr20-63690865-T-C. GRCh37 (hg19) VCF-style: chr20-62322218-T-C.
Other names: c.2546T>C, p.Val849Ala (NM_032957.5); c.1805T>C, p.Val602Ala (NM_001283010.1); c.2474T>C, p.Val825Ala (NM_016434.4); short protein forms V602A, V825A, V849A.
Identifiers: ClinVar variation 1692617 (VCV001692617.5), dbSNP rs778102066, ClinGen allele CA9965371.
Genomic context (GRCh38, chr20:63,690,865, plus strand): 5'-GGTCACCAGCTGCCGGGGACCCCGAGAGTAGCCTGTGTGTGGAGTATGAGCAGGAGCCAG[T>C]TCCTGCCCGGCAGAGGCCCAGGGGGCTGCTGGCCGCCCTGGAGCACAGCGAACAGCGGGC-3'
Protein context (NP_001269938.1, residues 815-835): SLCVEYEQEP[Val825Ala]PARQRPRGLL